The following is an entry in ClinVar:

NM_015355.4(SUZ12):c.1522C>T (p.Arg508Cys)

Gene: SUZ12 (SUZ12 polycomb repressive complex 2 subunit; plus strand). Cytogenetic location: 17q11.2.
Variant type: single nucleotide variant.
Coding change: c.1522C>T on transcript NM_015355.4 (MANE Select); coding-DNA position 1522, C replaced by T.
Protein change: p.Arg508Cys; replaces arginine 508 with cysteine.
Molecular consequence: missense variant.
Genome position (GRCh38, 1-based): chr17:31,994,648, C>T. VCF-style: chr17-31994648-C-T. GRCh37 (hg19) VCF-style: chr17-30321667-C-T.
Other names: c.1453C>T, p.Arg485Cys (NM_001321207.2); short protein forms R485C, R508C.
Identifiers: ClinVar variation 3235147 (VCV003235147.1), dbSNP rs1213455983.

ClinVar aggregate classification (germline): Uncertain significance (1 of 4 stars; one submission).

Conditions:
Imagawa-Matsumoto syndrome. Identifiers: Orphanet 659463, MedGen C5394073, MONDO:0032916, OMIM 618786.

Allele frequency attached by ClinVar (database versions not stated): gnomAD exomes below 0.00001; TOPMed below 0.00001.
gnomAD v4.1: 6 of 1,613,924 alleles (0.00037%); highest among the groups gnomAD compares: Non-Finnish European, 0.00042%; no homozygotes.

Submission:

MVZ Medizinische Genetik Mainz
Classification: Uncertain significance for Imagawa-Matsumoto syndrome. Last evaluated: 2023-12-13. Review status: criteria provided, single submitter. Criteria: UK Practice Guidelines For Variant Classification V4 01 2020. Collection method: clinical testing. Allele origin: germline. Inheritance: Autosomal dominant inheritance. Affected: yes. Observed: 1 variant allele.
Comment: ACMG Criteria: PM1_SUP,PM2_SUP,PP2,BP4